The following is an entry in ClinVar:

ClinVar aggregate classification (germline): Likely benign. Review status: criteria provided, multiple submitters, no conflicts (2 of 4 stars). 4 submissions from 4 submitters: Likely benign (4). Last evaluated 2024-11-15.

Conditions:
Cardiovascular phenotype. Identifiers: MedGen CN230736.
Catecholaminergic polymorphic ventricular tachycardia 1. Also called: VENTRICULAR TACHYCARDIA, CATECHOLAMINERGIC POLYMORPHIC, 1, WITH OR WITHOUT ATRIAL DYSFUNCTION AND/OR DILATED CARDIOMYOPATHY; VENTRICULAR TACHYCARDIA, STRESS-INDUCED POLYMORPHIC 1; RYR2-Related Catecholaminergic Polymorphic Ventricular Tachycardia. Identifiers: Orphanet 3286, MedGen C1631597, MONDO:0011484, OMIM 604772.
Catecholaminergic polymorphic ventricular tachycardia (CVPT). Also called: Catecholamine-induced polymorphic ventricular tachycardia. Identifiers: Orphanet 3286, MedGen C5574922, MONDO:0017990.

Allele frequency attached by ClinVar (database versions not stated): gnomAD exomes below 0.00001; TOPMed below 0.00001; gnomAD 0.00001.
gnomAD v4.1: 2 of 1,613,088 alleles (0.00012%); highest among the groups gnomAD compares: Non-Finnish European, 0.00017%; no homozygotes.

Submissions (4):

Women's Health and Genetics/Laboratory Corporation of America, LabCorp
Classification: Likely benign. Last evaluated: 2024-11-15. Review status: criteria provided, single submitter. Criteria: LabCorp Variant Classification Summary - May 2015. Collection method: clinical testing. Allele origin: germline.

Labcorp Genetics (formerly Invitae), Labcorp
Classification: Likely benign for Catecholaminergic polymorphic ventricular tachycardia 1. Last evaluated: 2024-10-12. Review status: criteria provided, single submitter. Criteria: Invitae Variant Classification Sherloc (09022015). Collection method: clinical testing. Allele origin: germline.

All of Us Research Program, National Institutes of Health
Classification: Likely benign for Catecholaminergic polymorphic ventricular tachycardia. Last evaluated: 2024-03-14. Review status: criteria provided, single submitter. Criteria: ACMG Guidelines, 2015. Collection method: clinical testing. Allele origin: germline. Inheritance: Autosomal dominant inheritance. Observed: 1 variant allele, 1 heterozygote.
Comment: This study involves interpretation of variants in research participants for the purpose of population health screening. Participant phenotype was not available at the time of variant classification. Additional details can be found in publication PMID: 35346344, PMCID: PMC8962531

Ambry Genetics
Classification: Likely benign for Cardiovascular phenotype. Last evaluated: 2020-11-16. Review status: criteria provided, single submitter. Criteria: Ambry Variant Classification Scheme 2023. Collection method: clinical testing. Allele origin: germline.

NM_001035.3(RYR2):c.14289T>C (p.Asn4763=)

Gene: RYR2 (ryanodine receptor 2; plus strand). Cytogenetic location: 1q43.
Variant type: single nucleotide variant.
Coding change: c.14289T>C on transcript NM_001035.3 (MANE Select); coding-DNA position 14289, T replaced by C.
Protein change: p.Asn4763=; no amino-acid change (asparagine 4763 retained).
Molecular consequence: synonymous variant.
Genome position (GRCh38, 1-based): chr1:237,806,274, T>C. VCF-style: chr1-237806274-T-C. GRCh37 (hg19) VCF-style: chr1-237969574-T-C.
Identifiers: ClinVar variation 1772409 (VCV001772409.6), dbSNP rs1268270346, ClinGen allele CA424051677.